The following is an entry in ClinVar:

ClinVar aggregate classification (germline): Uncertain significance. Review status: criteria provided, multiple submitters, no conflicts (2 of 4 stars). 2 submissions from 2 submitters: Uncertain significance (2). Last evaluated 2023-12-18.

Conditions:
Familial sleep-related hypermotor epilepsy. Also called: Autosomal Dominant Sleep-Related Hypermotor (Hyperkinetic) Epilepsy. Identifiers: Orphanet 98784, MedGen C3696898, MONDO:0000030.

Submissions (2):

Labcorp Genetics (formerly Invitae), Labcorp
Classification: Uncertain significance. Last evaluated: 2023-12-18. Review status: criteria provided, single submitter. Criteria: Invitae Variant Classification Sherloc (09022015). Collection method: clinical testing. Allele origin: germline.
Comment: This sequence change replaces asparagine, which is neutral and polar, with serine, which is neutral and polar, at codon 102 of the CHRNA2 protein (p.Asn102Ser). This variant is not present in population databases (gnomAD no frequency). This variant has not been reported in the literature in individuals affected with CHRNA2-related conditions. ClinVar contains an entry for this variant (Variation ID: 1314318). Advanced modeling of protein sequence and biophysical properties (such as structural, functional, and spatial information, amino acid conservation, physicochemical variation, residue mobility, and thermodynamic stability) performed at Invitae indicates that this missense variant is not expected to disrupt CHRNA2 protein function with a negative predictive value of 80%. In summary, the available evidence is currently insufficient to determine the role of this variant in disease. Therefore, it has been classified as a Variant of Uncertain Significance.

GeneDx
Classification: Uncertain significance. Last evaluated: 2021-04-26. Review status: criteria provided, single submitter. Criteria: GeneDx Variant Classification Process June 2021. Collection method: clinical testing. Allele origin: germline. Affected: yes.
Comment: Not observed in large population cohorts (Lek et al., 2016); In silico analysis supports that this missense variant has a deleterious effect on protein structure/function; Has not been previously published as pathogenic or benign to our knowledge

NM_000742.4(CHRNA2):c.305A>G (p.Asn102Ser)

Gene: CHRNA2 (cholinergic receptor nicotinic alpha 2 subunit; minus strand). Cytogenetic location: 8p21.2.
Variant type: single nucleotide variant.
Coding change: c.305A>G on transcript NM_000742.4 (MANE Select); coding-DNA position 305, A replaced by G.
Protein change: p.Asn102Ser; replaces asparagine 102 with serine.
Molecular consequence: missense variant. On other transcripts: 5 prime UTR variant (4).
Genome position (GRCh38, 1-based): chr8:27,469,369, T>C on the plus strand (A>G on the coding strand, the complement: CHRNA2 is on the minus strand). VCF-style: chr8-27469369-T-C. GRCh37 (hg19) VCF-style: chr8-27326886-T-C.
Other names: c.260A>G, p.Asn87Ser (NM_001282455.2); c.-168A>G (NM_001347705.2, NM_001347706.2); c.-154A>G (NM_001347707.2); c.-157A>G (NM_001347708.2); short protein forms N102S, N87S.
Identifiers: ClinVar variation 1314318 (VCV001314318.5), dbSNP rs2132665924, ClinGen allele CA370812779.